The following is an entry in ClinVar:

ClinVar aggregate classification (germline): Pathogenic. Review status: criteria provided, multiple submitters, no conflicts (2 of 4 stars). 2 submissions from 2 submitters: Pathogenic (2). Last evaluated 2026-01-13.

Conditions:
Neurofibromatosis, type 1 (NF1). Also called: VON RECKLINGHAUSEN DISEASE; Neurofibromatosis, type I; NEUROFIBROMATOSIS, TYPE I, SOMATIC; Peripheral type neurofibromatosis. Identifiers: Orphanet 636, MedGen C0027831, MONDO:0018975, OMIM 162200. Disease mechanism: loss of function.

Submissions (2):

Labcorp Genetics (formerly Invitae), Labcorp
Classification: Pathogenic for Neurofibromatosis, type 1. Last evaluated: 2026-01-13. Review status: criteria provided, single submitter. Criteria: Invitae Variant Classification Sherloc (09022015). Collection method: clinical testing. Allele origin: germline.
Comment: This sequence change creates a premature translational stop signal (p.Tyr2171*) in the NF1 gene. It is expected to result in an absent or disrupted protein product. Loss-of-function variants in NF1 are known to be pathogenic (PMID: 10712197, 23913538). This variant is not present in population databases (gnomAD no frequency). This premature translational stop signal has been observed in individual(s) with neurofibromatosis, type 1 (PMID: 21354044, 32761593). ClinVar contains an entry for this variant (Variation ID: 1387065). For these reasons, this variant has been classified as Pathogenic.

ARUP Laboratories, Molecular Genetics and Genomics, ARUP Laboratories
Classification: Pathogenic. Last evaluated: 2025-07-02. Review status: criteria provided, single submitter. Criteria: ARUP Molecular Germline Variant Investigation Process 2024. Collection method: clinical testing. Allele origin: germline.
Comment: The NF1 c.6576T>G; p.Tyr2192Ter variant (rs758917402, ClinVar Variation ID: 1387065), also known as c.6513T>G; p.Y2171Ter for NM_000267.3, is reported in the literature in at least one individual affected with neurofibromatosis, type 1 (van Minkelen 2014). This variant is also absent from the Genome Aggregation Database (v2.1.1), indicating it is not a common polymorphism. This variant induces an early termination codon and is predicted to result in a truncated protein or mRNA subject to nonsense-mediated decay. Additionally, another variant at this codon also resulting in an early termination codon (c.6576T>A, p.Tyr2192Ter; c.6513T>A, p.Y2171Ter for NM_000267.3) has been reported in individuals with neurofibromatosis, type 1 and is considered disease causing (Anastasaki 2015, Valero 2011). Based on available information, this variant is considered to be pathogenic. References: Anastasaki C et al. Elucidating the impact of neurofibromatosis-1 germline mutations on neurofibromin function and dopamine-based learning. Hum Mol Genet. 2015 Jun 15;24(12):3518-28. PMID: 25788518. van Minkelen R et al. A clinical and genetic overview of 18?years neurofibromatosis type 1 molecular diagnostics in the Netherlands. Clin Genet. 2014 Apr;85(4):318-27. Jun 25. PMID: 23656349. Valero MC et al. A highly sensitive genetic protocol to detect NF1 mutations. J Mol Diagn. 2011 Mar;13(2):113-22. PMID: 21354044.

Literature cited by the submitters: PubMed 10712197 (cited by Labcorp Genetics (formerly Invitae), Labcorp); PubMed 23913538 (cited by Labcorp Genetics (formerly Invitae), Labcorp); PubMed 21354044 (cited by Labcorp Genetics (formerly Invitae), Labcorp); PubMed 32761593 (cited by Labcorp Genetics (formerly Invitae), Labcorp).

NM_001042492.3(NF1):c.6576T>G (p.Tyr2192Ter)

Gene: NF1 (neurofibromin 1; plus strand). Cytogenetic location: 17q11.2.
Variant type: single nucleotide variant.
Coding change: c.6576T>G on transcript NM_001042492.3 (MANE Select); coding-DNA position 6576, T replaced by G.
Protein change: p.Tyr2192Ter; replaces tyrosine 2192 with a stop codon.
Molecular consequence: nonsense.
Genome position (GRCh38, 1-based): chr17:31,337,516, T>G. VCF-style: chr17-31337516-T-G. GRCh37 (hg19) VCF-style: chr17-29664534-T-G.
Other names: c.6513T>G, p.Tyr2171Ter (NM_000267.4); short protein forms Y2171*, Y2192*.
Identifiers: ClinVar variation 1387065 (VCV001387065.7), dbSNP rs758917402, ClinGen allele CA399013312.